The following is an entry in ClinVar:

ClinVar aggregate classification (germline): Uncertain significance (1 of 4 stars; one submission).

Conditions:
Alagille syndrome due to a JAG1 point mutation. Also called: HEPATIC DUCTULAR HYPOPLASIA, SYNDROMATIC; Alagille Syndrome 1; JAG1-Related Alagille Syndrome. Identifiers: Orphanet 261619, Orphanet 52, MedGen C1956125, MONDO:0016862, OMIM 118450.

Allele frequency attached by ClinVar (database versions not stated): TOPMed 0.00001.

Submission:

Labcorp Genetics (formerly Invitae), Labcorp
Classification: Uncertain significance for Alagille syndrome due to a JAG1 point mutation. Last evaluated: 2024-11-21. Review status: criteria provided, single submitter. Criteria: Invitae Variant Classification Sherloc (09022015). Collection method: clinical testing. Allele origin: germline.
Comment: This sequence change affects codon 666 of the JAG1 mRNA. It is a 'silent' change, meaning that it does not change the encoded amino acid sequence of the JAG1 protein. It affects a nucleotide within the consensus splice site. This variant is not present in population databases (gnomAD no frequency). This variant has not been reported in the literature in individuals affected with JAG1-related conditions. ClinVar contains an entry for this variant (Variation ID: 1920426). Algorithms developed to predict the effect of sequence changes on RNA splicing suggest that this variant is not likely to affect RNA splicing. In summary, the available evidence is currently insufficient to determine the role of this variant in disease. Therefore, it has been classified as a Variant of Uncertain Significance.

NM_000214.3(JAG1):c.1998C>T (p.Thr666=)

Gene: JAG1 (jagged canonical Notch ligand 1; minus strand). Cytogenetic location: 20p12.2.
Variant type: single nucleotide variant.
Coding change: c.1998C>T on transcript NM_000214.3 (MANE Select); coding-DNA position 1998, C replaced by T.
Protein change: p.Thr666=; no amino-acid change (threonine 666 retained).
Molecular consequence: synonymous variant.
Genome position (GRCh38, 1-based): chr20:10,645,972, G>A on the plus strand (C>T on the coding strand, the complement: JAG1 is on the minus strand). VCF-style: chr20-10645972-G-A. GRCh37 (hg19) VCF-style: chr20-10626620-G-A.
Identifiers: ClinVar variation 1920426 (VCV001920426.5), dbSNP rs1383309484, ClinGen allele CA509660043.